The following is an entry in ClinVar:

ClinVar aggregate classification (germline): Uncertain significance. Review status: criteria provided, multiple submitters, no conflicts (2 of 4 stars). 3 submissions from 3 submitters: Uncertain significance (2). 1 of the submissions does not count toward it. Last evaluated 2024-03-01.

Conditions:
MHC class II deficiency. Also called: Bare lymphocyte syndrome 2; BLS, TYPE II. Identifiers: Orphanet 572, MedGen C5447452, MONDO:0008855.
Inborn genetic diseases. Identifiers: MedGen C0950123, MeSH D030342.

Allele frequency attached by ClinVar (database versions not stated): ExAC 0.00002; gnomAD exomes 0.00002; gnomAD 0.00005; TOPMed 0.00005.
gnomAD v4.1: 84 of 1,613,780 alleles (0.0052%); highest among the groups gnomAD compares: African/African-American, 0.008%; no homozygotes.

Submissions (3):

Labcorp Genetics (formerly Invitae), Labcorp
Classification: Uncertain significance for MHC class II deficiency. Last evaluated: 2024-03-01. Review status: criteria provided, single submitter. Criteria: Invitae Variant Classification Sherloc (09022015). Collection method: clinical testing. Allele origin: germline.
Comment: This sequence change replaces arginine, which is basic and polar, with histidine, which is basic and polar, at codon 669 of the CIITA protein (p.Arg669His). This variant is present in population databases (rs745446439, gnomAD 0.004%). This variant has not been reported in the literature in individuals affected with CIITA-related conditions. ClinVar contains an entry for this variant (Variation ID: 656570). An algorithm developed to predict the effect of missense changes on protein structure and function (PolyPhen-2) suggests that this variant is likely to be disruptive. In summary, the available evidence is currently insufficient to determine the role of this variant in disease. Therefore, it has been classified as a Variant of Uncertain Significance.

Ambry Genetics
Classification: Uncertain significance for Inborn genetic diseases. Last evaluated: 2021-08-02. Review status: criteria provided, single submitter. Criteria: Ambry Variant Classification Scheme 2023. Collection method: clinical testing. Allele origin: germline.

Natera, Inc.
Classification: Uncertain significance for Bare lymphocyte syndrome type II. Last evaluated: 2020-09-16. Review status: no assertion criteria provided. Collection method: clinical testing. Allele origin: germline. Not counted in ClinVar's aggregate classification.

NM_000246.4(CIITA):c.2006G>A (p.Arg669His)

Gene: CIITA (class II major histocompatibility complex transactivator; plus strand). Cytogenetic location: 16p13.13.
Variant type: single nucleotide variant.
Coding change: c.2006G>A on transcript NM_000246.4 (MANE Select); coding-DNA position 2006, G replaced by A.
Protein change: p.Arg669His; replaces arginine 669 with histidine.
Molecular consequence: missense variant. On other transcripts: intron variant (1).
Genome position (GRCh38, 1-based): chr16:10,907,498, G>A. VCF-style: chr16-10907498-G-A. GRCh37 (hg19) VCF-style: chr16-11001355-G-A.
Other names: c.2009G>A, p.Arg670His (NM_001286402.1, NM_001379332.1); c.1862G>A, p.Arg621His (NM_001379330.1); c.1859G>A, p.Arg620His (NM_001379331.1); c.2006G>A, p.Arg669His (NM_001379333.1); c.1937G>A, p.Arg646His (NM_001379334.1); c.860-1485G>A (NM_001286403.2); short protein forms R669H, R670H, R620H, R621H, R646H.
Identifiers: ClinVar variation 656570 (VCV000656570.5), dbSNP rs745446439, ClinGen allele CA7900270.